The following is an entry in ClinVar:

ClinVar aggregate classification (germline): Uncertain significance (1 of 4 stars; one submission).

Submission:

GeneDx
Classification: Uncertain significance. Last evaluated: 2026-02-24. Review status: criteria provided, single submitter. Criteria: GeneDx Variant Classification Process June 2021. Collection method: clinical testing. Allele origin: germline.
Comment: Not observed at significant frequency in large population cohorts (gnomAD); In silico analysis supports that this missense variant has a deleterious effect on protein structure/function; Has not been previously published as pathogenic or benign to our knowledge

NM_005120.3(MED12):c.2798A>G (p.Tyr933Cys)

Gene: MED12 (mediator complex subunit 12; plus strand). Cytogenetic location: Xq13.1.
Variant type: single nucleotide variant.
Coding change: c.2798A>G on transcript NM_005120.3 (MANE Select); coding-DNA position 2798, A replaced by G.
Protein change: p.Tyr933Cys; replaces tyrosine 933 with cysteine.
Molecular consequence: missense variant.
Genome position (GRCh38, 1-based): chrX:71,127,081, A>G. VCF-style: chrX-71127081-A-G. GRCh37 (hg19) VCF-style: chrX-70346931-A-G.
Other names: short protein forms Y933C.
Identifiers: ClinVar variation 5007987 (VCV005007987.1).
Genomic context (GRCh38, chrX:71,127,081, plus strand): 5'-ATCTGGTGGGCAGCTACACTACTAGCCTGTGCCTGTGCATCGTGGCTGTCCTGCGGCACT[A>G]TCATGCCTGCCTCATCCTCAACCAGGACCAGATGGCACAGGTCTTTGAGGGGTAAGCAGA-3'
Protein context (NP_005111.2, residues 923-943): CLCIVAVLRH[Tyr933Cys]HACLILNQDQ